The following is an entry in ClinVar:

NM_005609.4(PYGM):c.580C>T (p.Arg194Trp)

Gene: PYGM (glycogen phosphorylase, muscle associated; minus strand). Cytogenetic location: 11q13.1.
Variant type: single nucleotide variant.
Coding change: c.580C>T on transcript NM_005609.4 (MANE Select); coding-DNA position 580, C replaced by T.
Protein change: p.Arg194Trp; replaces arginine 194 with tryptophan.
Molecular consequence: missense variant.
Genome position (GRCh38, 1-based): chr11:64,757,859, G>A on the plus strand (C>T on the coding strand, the complement: PYGM is on the minus strand). VCF-style: chr11-64757859-G-A. GRCh37 (hg19) VCF-style: chr11-64525331-G-A.
Other names: c.316C>T, p.Arg106Trp (NM_001164716.1); short protein forms R106W, R194W.
Identifiers: ClinVar variation 964929 (VCV000964929.12), dbSNP rs376581557, ClinGen allele CA6080199.

ClinVar aggregate classification (germline): Conflicting classifications of pathogenicity. Review status: criteria provided, conflicting classifications (1 of 4 stars). 5 submissions from 5 submitters: Likely pathogenic (2); Uncertain significance (2). 1 of the submissions does not count toward it. Last evaluated 2025-05-03.

Conditions:
Glycogen storage disease, type V (GSD5). Also called: MCARDLE DISEASE; MUSCLE GLYCOGEN PHOSPHORYLASE DEFICIENCY; MYOPHOSPHORYLASE DEFICIENCY; PYGM DEFICIENCY; McArdle type glycogen storage disease. Identifiers: Orphanet 368, MedGen C0017924, MONDO:0009293, OMIM 232600.

Allele frequency attached by ClinVar (database versions not stated): ExAC 0.00002; gnomAD 0.00001; gnomAD exomes 0.00001 and 0.00002; TOPMed 0.00001; ESP Exome Variant Server 0.00008.

Submissions (5):

Labcorp Genetics (formerly Invitae), Labcorp
Classification: Likely pathogenic for Glycogen storage disease, type V. Last evaluated: 2025-05-03. Review status: criteria provided, single submitter. Criteria: Invitae Variant Classification Sherloc (09022015). Collection method: clinical testing. Allele origin: germline.
Comment: This sequence change replaces arginine, which is basic and polar, with tryptophan, which is neutral and slightly polar, at codon 194 of the PYGM protein (p.Arg194Trp). This variant is present in population databases (rs376581557, gnomAD 0.005%). This missense change has been observed in individuals with glycogen storage disease (PMID: 10679948, 22250184, 26944031). This variant is also known as R193W. ClinVar contains an entry for this variant (Variation ID: 964929). Invitae Evidence Modeling of protein sequence and biophysical properties (such as structural, functional, and spatial information, amino acid conservation, physicochemical variation, residue mobility, and thermodynamic stability) indicates that this missense variant is expected to disrupt PYGM protein function with a positive predictive value of 95%. In summary, the currently available evidence indicates that the variant is pathogenic, but additional data are needed to prove that conclusively. Therefore, this variant has been classified as Likely Pathogenic.

GeneDx
Classification: Uncertain significance. Last evaluated: 2020-08-03. Review status: criteria provided, single submitter. Criteria: GeneDx Variant Classification Process June 2021. Collection method: clinical testing. Allele origin: germline. Affected: yes.
Comment: Not observed at a significant frequency in large population cohorts (Lek et al., 2016); In silico analysis supports that this missense variant has a deleterious effect on protein structure/function; This variant is associated with the following publications: (PMID: 26944031, 10679948, 22250184, 29143597)

Revvity Omics, Revvity
Classification: Uncertain significance for Glycogen storage disease, type V. Last evaluated: 2019-08-14. Review status: criteria provided, single submitter. Criteria: ACMG Guidelines, 2015. Collection method: clinical testing. Allele origin: germline.

Clinical Genetics Service, Universitary Hospital 12 de Octubre
Classification: Likely pathogenic for Glycogen storage disease, type V. Review status: criteria provided, single submitter. Criteria: ACMG Guidelines, 2015. Collection method: clinical testing. Allele origin: germline. Affected: yes.

Natera, Inc.
Classification: Uncertain significance for Glycogen storage disease V. Last evaluated: 2020-12-29. Review status: no assertion criteria provided. Collection method: clinical testing. Allele origin: germline. Not counted in ClinVar's aggregate classification.

Literature cited by the submitters: PubMed 10679948 (cited by Labcorp Genetics (formerly Invitae), Labcorp); PubMed 22250184 (cited by Labcorp Genetics (formerly Invitae), Labcorp); PubMed 26944031 (cited by Labcorp Genetics (formerly Invitae), Labcorp).